The following is an entry in ClinVar:

ClinVar aggregate classification (germline): Uncertain significance. Review status: criteria provided, multiple submitters, no conflicts (2 of 4 stars). 2 submissions from 2 submitters: Uncertain significance (2). Last evaluated 2026-06-01.

gnomAD v4.1: 1 of 1,471,260 alleles (0.000068%); highest among the groups gnomAD compares: Admixed American, 0.0026%; no homozygotes.

Submissions (2):

CeGaT Center for Human Genetics Tuebingen
Classification: Uncertain significance. Last evaluated: 2026-06-01. Review status: criteria provided, single submitter. Criteria: CeGaT Center For Human Genetics Tuebingen Variant Classification Criteria Version 2. Collection method: clinical testing. Allele origin: germline. Affected: yes. Observed: 1 variant allele.
Comment: BCL11B: PM5, PP2

Dasa
Classification: Uncertain significance. Last evaluated: 2024-08-23. Review status: criteria provided, single submitter. Criteria: DASA Assertion Criteria. Collection method: clinical testing. Allele origin: germline.
Comment: NM_138576.4(BCL11B):c.1040G>A (p.Arg347Gln) is a missense variant that results in the substitution of arginine with glutamine. This variant is rare in population databases. Computational prediction algorithms are consistent with a benign effect. The currently available literature and clinical evidence are not sufficient to establish a definitive association between this variant and the reported condition. Therefore, this variant is classified as a variant of uncertain significance.

NM_138576.4(BCL11B):c.1040G>A (p.Arg347Gln)

Gene: BCL11B (BCL11 transcription factor B; minus strand). Cytogenetic location: 14q32.2.
Variant type: single nucleotide variant.
Coding change: c.1040G>A on transcript NM_138576.4 (MANE Select); coding-DNA position 1040, G replaced by A.
Protein change: p.Arg347Gln; replaces arginine 347 with glutamine.
Molecular consequence: missense variant.
Genome position (GRCh38, 1-based): chr14:99,175,796, C>T on the plus strand (G>A on the coding strand, the complement: BCL11B is on the minus strand). VCF-style: chr14-99175796-C-T. GRCh37 (hg19) VCF-style: chr14-99642133-C-T.
Other names: c.1037G>A, p.Arg346Gln (NM_001282237.2); c.824G>A, p.Arg275Gln (NM_001282238.2); c.827G>A, p.Arg276Gln (NM_022898.3); short protein forms R275Q, R276Q, R346Q, R347Q.
Identifiers: ClinVar variation 4875225 (VCV004875225.4).